The following is an entry in ClinVar:

ClinVar aggregate classification (germline): Uncertain significance (1 of 4 stars; one submission).

Conditions:
Cystic fibrosis (CF). Also called: MUCOVISCIDOSIS. Identifiers: Orphanet 586, MedGen C0010674, MONDO:0009061, OMIM 219700. Disease mechanism: loss of function.

Allele frequency attached by ClinVar (database versions not stated): gnomAD exomes below 0.00001.

Submission:

Ambry Genetics
Classification: Uncertain significance for Cystic fibrosis. Last evaluated: 2025-04-25. Review status: criteria provided, single submitter. Criteria: Ambry Variant Classification Scheme 2023. Collection method: clinical testing. Allele origin: germline.
Comment: The p.A875V variant (also known as c.2624C>T), located in coding exon 16 of the CFTR gene, results from a C to T substitution at nucleotide position 2624. The alanine at codon 875 is replaced by valine, an amino acid with similar properties. This amino acid position is highly conserved in available vertebrate species. In addition, the in silico prediction for this alteration is inconclusive. Based on the available evidence, the clinical significance of this variant remains unclear.

NM_000492.4(CFTR):c.2624C>T (p.Ala875Val)

Gene: CFTR (CF transmembrane conductance regulator; plus strand). Cytogenetic location: 7q31.2.
Variant type: single nucleotide variant.
Coding change: c.2624C>T on transcript NM_000492.4 (MANE Select); coding-DNA position 2624, C replaced by T.
Protein change: p.Ala875Val; replaces alanine 875 with valine.
Molecular consequence: missense variant.
Genome position (GRCh38, 1-based): chr7:117,602,830, C>T. VCF-style: chr7-117602830-C-T. GRCh37 (hg19) VCF-style: chr7-117242884-C-T.
Other names: short protein forms A875V.
Identifiers: ClinVar variation 1793987 (VCV001793987.3), dbSNP rs2485121054, ClinGen allele CA368985898.